The following is an entry in ClinVar:

NC_000003.12:g.(?_197950958)_(197955783_?)del

Genes: DRC9 (dynein regulatory complex subunit 9; minus strand), RPL35A (ribosomal protein L35a; plus strand). Cytogenetic location: 3q29.
Variant type: Deletion.
Identifiers: ClinVar variation 647968 (VCV000647968.1).

ClinVar aggregate classification (germline): Pathogenic (1 of 4 stars; one submission).

Conditions:
Diamond-Blackfan anemia 5 (DBA5). Also called: RPL35A-Related Diamond-Blackfan Anemia. Identifiers: Orphanet 124, MedGen C2675859, MONDO:0012925, OMIM 612528.

Submission:

Labcorp Genetics (formerly Invitae), Labcorp
Classification: Pathogenic for Diamond-Blackfan anemia 5. Last evaluated: 2018-09-16. Review status: criteria provided, single submitter. Criteria: Invitae Variant Classification Sherloc (09022015). Collection method: clinical testing. Allele origin: germline.
Comment: A gross deletion of the genomic region encompassing the full coding sequence of the RPL35A gene has been identified. The boundaries of this event are unknown as the deletion extends beyond the assayed region for this gene and therefore may encompass additional genes. Similar deletions of the entire coding sequence have been observed in individuals affected with Diamond-Blackfan anemia (PMID: 18535205, 22262766, 22689679). Loss-of-function variants in RPL35A are known to be pathogenic (PMID:Â¬â€ 18535205, 25946618). For these reasons, this variant has been classified as Pathogenic.

Literature cited by the submitters: PubMed 22689679; PubMed 22262766; PubMed 18535205.